The following is an entry in ClinVar:

ClinVar aggregate classification (germline): Uncertain significance (1 of 4 stars; one submission).

Conditions:
Multiple endocrine neoplasia, type 2 (MEN2). Identifiers: Orphanet 653, MedGen C4048306, MONDO:0019003. Disease mechanism: gain of function.

Submission:

Labcorp Genetics (formerly Invitae), Labcorp
Classification: Uncertain significance for Multiple endocrine neoplasia, type 2. Last evaluated: 2025-11-16. Review status: criteria provided, single submitter. Criteria: Invitae Variant Classification Sherloc (09022015). Collection method: clinical testing. Allele origin: germline.
Comment: This sequence change replaces asparagine, which is neutral and polar, with serine, which is neutral and polar, at codon 361 of the RET protein (p.Asn361Ser). This variant is not present in population databases (gnomAD no frequency). This variant has not been reported in the literature in individuals affected with RET-related conditions. An algorithm developed to predict the effect of missense changes on protein structure and function outputs the following: PolyPhen-2: "Benign". The serine amino acid residue is found in multiple mammalian species, which suggests that this missense change does not adversely affect protein function. In summary, the available evidence is currently insufficient to determine the role of this variant in disease. Therefore, it has been classified as a Variant of Uncertain Significance.

NM_020975.6(RET):c.1082A>G (p.Asn361Ser)

Gene: RET (ret proto-oncogene; plus strand). Cytogenetic location: 10q11.21.
Variant type: single nucleotide variant.
Coding change: c.1082A>G on transcript NM_020975.6 (MANE Select); coding-DNA position 1082, A replaced by G.
Protein change: p.Asn361Ser; replaces asparagine 361 with serine.
Molecular consequence: missense variant. On other transcripts: intron variant (18).
Genome position (GRCh38, 1-based): chr10:43,109,049, A>G. VCF-style: chr10-43109049-A-G. GRCh37 (hg19) VCF-style: chr10-43604497-A-G.
Other names: c.320A>G, p.Asn107Ser (NM_001355216.2); c.1082A>G, p.Asn361Ser (NM_001406743.1, NM_001406744.1, NM_001406759.1 and 4 more transcripts); c.953A>G, p.Asn318Ser (NM_001406761.1, NM_001406762.1, NM_001406764.1 and 1 more transcripts); c.794A>G, p.Asn265Ser (NM_001406766.1, NM_001406767.1, NM_001406770.1); c.644A>G, p.Asn215Ser (NM_001406771.1, NM_001406773.1); c.356A>G, p.Asn119Ser (NM_001406775.1, NM_001406776.1, NM_001406777.1 and 1 more transcripts); c.92A>G, p.Asn31Ser (NM_001406784.1); c.868-2158A>G (NM_001406772.1, NM_001406769.1); and 5 more; short protein forms N107S, N119S, N215S, N265S, N318S, N31S, N361S.
Identifiers: ClinVar variation 4806345 (VCV004806345.1).